The following is an entry in ClinVar:

ClinVar aggregate classification (germline): Benign/Likely benign. Review status: criteria provided, multiple submitters, no conflicts (2 of 4 stars). 5 submissions from 5 submitters: Benign (3); Likely benign (1). 1 of the submissions does not count toward it. Last evaluated 2026-01-28.

Conditions:
RHOBTB2-related disorder. Also called: RHOBTB2-related condition.

Allele frequency attached by ClinVar (database versions not stated): gnomAD exomes 0.00041 and 0.00102; ExAC 0.00130; 1000 Genomes Project 30x 0.00297; 1000 Genomes Project 0.00300; gnomAD 0.00312 and 0.00331; ESP Exome Variant Server 0.00323; TOPMed 0.00356.
gnomAD v4.1: 1,110 of 1,613,760 alleles (0.069%); highest among the groups gnomAD compares: African/African-American, 1.1%; 8 homozygotes.

Submissions (5):

Labcorp Genetics (formerly Invitae), Labcorp
Classification: Benign. Last evaluated: 2026-01-28. Review status: criteria provided, single submitter. Criteria: Invitae Variant Classification Sherloc (09022015). Collection method: clinical testing. Allele origin: germline.

Blueprint Genetics
Classification: Likely benign. Last evaluated: 2024-11-20. Review status: criteria provided, single submitter. Criteria: ACMG Guidelines, 2015. Collection method: clinical testing. Allele origin: germline.

CeGaT Center for Human Genetics Tuebingen
Classification: Benign. Last evaluated: 2024-04-01. Review status: criteria provided, single submitter. Criteria: CeGaT Center For Human Genetics Tuebingen Variant Classification Criteria Version 2. Collection method: clinical testing. Allele origin: germline. Affected: yes. Observed: 3 variant alleles.
Comment: ENSG00000245025: BS1, BS2; RHOBTB2: BP4, BP7, BS1, BS2

Breakthrough Genomics
Classification: Benign. Review status: criteria provided, single submitter. Criteria: ACMG Guidelines, 2015. Collection method: not provided. Allele origin: germline. Inheritance: Autosomal dominant inheritance. Affected: yes.

PreventionGenetics, part of Exact Sciences
Classification: Benign for RHOBTB2-related condition. Last evaluated: 2019-06-26. Review status: no assertion criteria provided. Collection method: clinical testing. Allele origin: germline. Not counted in ClinVar's aggregate classification.
Comment: This variant is classified as benign based on ACMG/AMP sequence variant interpretation guidelines (Richards et al. 2015 PMID: 25741868, with internal and published modifications).

NM_015178.3(RHOBTB2):c.168C>T (p.Ile56=)

Gene: RHOBTB2 (Rho related BTB domain containing 2; plus strand). Cytogenetic location: 8p21.3.
Variant type: single nucleotide variant.
Coding change: c.168C>T on transcript NM_015178.3 (MANE Select); coding-DNA position 168, C replaced by T.
Protein change: p.Ile56=; no amino-acid change (isoleucine 56 retained).
Molecular consequence: synonymous variant.
Genome position (GRCh38, 1-based): chr8:23,004,602, C>T. VCF-style: chr8-23004602-C-T. GRCh37 (hg19) VCF-style: chr8-22862115-C-T.
Other names: c.234C>T (NM_001160036.1); c.234C>T, p.Ile78= (NM_001160036.2); c.189C>T, p.Ile63= (NM_001160037.2); c.168C>T, p.Ile56= (NM_001374791.1).
Identifiers: ClinVar variation 1168921 (VCV001168921.33), dbSNP rs61732770, ClinGen allele CA4672380.